The following is an entry in ClinVar:

NM_017617.5(NOTCH1):c.64C>T (p.Pro22Ser)

Gene: NOTCH1 (notch receptor 1; minus strand). Cytogenetic location: 9q34.3.
Variant type: single nucleotide variant.
Coding change: c.64C>T on transcript NM_017617.5 (MANE Select); coding-DNA position 64, C replaced by T.
Protein change: p.Pro22Ser; replaces proline 22 with serine.
Molecular consequence: missense variant.
Genome position (GRCh38, 1-based): chr9:136,544,100, G>A on the plus strand (C>T on the coding strand, the complement: NOTCH1 is on the minus strand). VCF-style: chr9-136544100-G-A. GRCh37 (hg19) VCF-style: chr9-139438552-G-A.
Other names: p.Pro22Ser; c.64C>T, p.Pro22Ser (LRG_1122t1); c.64C>T (NM_017617.4); short protein forms P22S.
Identifiers: ClinVar variation 134923 (VCV000134923.36), dbSNP rs114832250, ClinGen allele CA161173.

ClinVar aggregate classification (germline): Benign/Likely benign. Review status: criteria provided, multiple submitters, no conflicts (2 of 4 stars). 17 submissions from 16 submitters: Benign (6); Likely benign (6). 5 of the submissions do not count toward it. Last evaluated 2026-02-03.

Conditions:
NOTCH1-related disorder. Also called: NOTCH1-related condition; NOTCH1-related disorders.
Adams-Oliver syndrome 5 (AOS5). Identifiers: Orphanet 974, MedGen C4014970, MONDO:0014459, OMIM 616028.
Familial thoracic aortic aneurysm and aortic dissection (TAAD). Also called: Thoracic aortic aneurysms and dissections. Identifiers: Orphanet 91387, MedGen C4707243, MONDO:0019625.
Aortic valve disease 1 (AOVD1). Identifiers: MedGen C3887892, MONDO:0024523, OMIM 109730.

Allele frequency attached by ClinVar (database versions not stated): gnomAD 0.00587; TOPMed 0.00623; 1000 Genomes Project 30x 0.00640; 1000 Genomes Project 0.00699; gnomAD exomes 0.00070 and 0.00164; ExAC 0.00372; ESP Exome Variant Server 0.00398.
gnomAD v4.1: 1,886 of 1,571,134 alleles (0.12%); highest among the groups gnomAD compares: African/African-American, 1.7%; 7 homozygotes.

Submissions (17):

Labcorp Genetics (formerly Invitae), Labcorp
Classification: Likely benign for Adams-Oliver syndrome 5. Last evaluated: 2026-02-03. Review status: criteria provided, single submitter. Criteria: Invitae Variant Classification Sherloc (09022015). Collection method: clinical testing. Allele origin: germline.

CeGaT Center for Human Genetics Tuebingen
Classification: Likely benign. Last evaluated: 2025-08-01. Review status: criteria provided, single submitter. Criteria: CeGaT Center For Human Genetics Tuebingen Variant Classification Criteria Version 2. Collection method: clinical testing. Allele origin: germline. Affected: yes. Observed: 1 variant allele.
Comment: NOTCH1: BS1

Mayo Clinic Laboratories, Mayo Clinic
Classification: Benign. Last evaluated: 2025-06-12. Review status: criteria provided, single submitter. Criteria: ACMG Guidelines, 2015. Collection method: clinical testing. Allele origin: germline. Observed: 8 variant alleles.
Comment: BS1, BS2, BP4_moderate

Blueprint Genetics
Classification: Likely benign. Last evaluated: 2024-11-27. Review status: criteria provided, single submitter. Criteria: ACMG Guidelines, 2015. Collection method: clinical testing. Allele origin: germline.

ARUP Laboratories, Molecular Genetics and Genomics, ARUP Laboratories
Classification: Likely benign. Last evaluated: 2023-11-29. Review status: criteria provided, single submitter. Criteria: ARUP Molecular Germline Variant Investigation Process 2024. Collection method: clinical testing. Allele origin: germline.

Women's Health and Genetics/Laboratory Corporation of America, LabCorp
Classification: Likely benign. Last evaluated: 2023-07-21. Review status: criteria provided, single submitter. Criteria: LabCorp Variant Classification Summary - May 2015. Collection method: clinical testing. Allele origin: germline.

Genome-Nilou Lab
Classification: Benign for Adams-Oliver syndrome 5. Last evaluated: 2022-03-15. Review status: criteria provided, single submitter. Criteria: ACMG Guidelines, 2015. Collection method: clinical testing. Allele origin: germline. Affected: no.

Genome-Nilou Lab
Classification: Benign for Aortic valve disease 1. Last evaluated: 2022-03-15. Review status: criteria provided, single submitter. Criteria: ACMG Guidelines, 2015. Collection method: clinical testing. Allele origin: germline. Affected: no.

GeneDx
Classification: Benign. Last evaluated: 2016-12-15. Review status: criteria provided, single submitter. Criteria: GeneDx Variant Classification (06012015). Collection method: clinical testing. Allele origin: germline. Affected: yes.
Comment: This variant is considered likely benign or benign based on one or more of the following criteria: it is a conservative change, it occurs at a poorly conserved position in the protein, it is predicted to be benign by multiple in silico algorithms, and/or has population frequency not consistent with disease.

CHEO Genetics Diagnostic Laboratory, Children's Hospital of Eastern Ontario
Classification: Benign for Familial thoracic aortic aneurysm and aortic dissection. Last evaluated: 2016-11-30. Review status: criteria provided, single submitter. Criteria: ACMG Guidelines, 2015. Collection method: clinical testing. Allele origin: germline. Study: Canadian Open Genetics Repository.

Ambry Genetics
Classification: Benign for Familial thoracic aortic aneurysm and aortic dissection. Last evaluated: 2015-07-07. Review status: criteria provided, single submitter. Criteria: Ambry Variant Classification Scheme 2023. Collection method: clinical testing. Allele origin: germline.

Breakthrough Genomics
Classification: Likely benign. Review status: criteria provided, single submitter. Criteria: ACMG Guidelines, 2015. Collection method: not provided. Allele origin: germline. Inheritance: Autosomal dominant inheritance. Affected: yes.

PreventionGenetics, part of Exact Sciences
Classification: Benign for NOTCH1-related condition. Last evaluated: 2020-04-17. Review status: no assertion criteria provided. Collection method: clinical testing. Allele origin: germline. Not counted in ClinVar's aggregate classification.
Comment: This variant is classified as benign based on ACMG/AMP sequence variant interpretation guidelines (Richards et al. 2015 PMID: 25741868, with internal and published modifications).

ITMI
No classification provided. Condition: AllHighlyPenetrant. Last evaluated: 2013-09-19. Review status: no classification provided. Collection method: reference population. Allele origin: germline. Not counted in ClinVar's aggregate classification.
Comment: Please see associated publication for description of ethnicities

Clinical Genetics DNA and cytogenetics Diagnostics Lab, Erasmus MC, Erasmus Medical Center
Classification: Benign. Review status: no assertion criteria provided. Collection method: clinical testing. Allele origin: germline. Affected: yes. Study: VKGL Data-share Consensus. Not counted in ClinVar's aggregate classification.

Genome Diagnostics Laboratory, Amsterdam University Medical Center
Classification: Likely benign. Review status: no assertion criteria provided. Collection method: clinical testing. Allele origin: germline. Affected: yes. Study: VKGL Data-share Consensus. Not counted in ClinVar's aggregate classification.

Laboratory of Diagnostic Genome Analysis, Leiden University Medical Center (LUMC)
Classification: Likely benign. Review status: no assertion criteria provided. Collection method: clinical testing. Allele origin: germline. Affected: yes. Study: VKGL Data-share Consensus. Not counted in ClinVar's aggregate classification.

Literature cited by the submitters: PubMed 24943832 (cited by Women's Health and Genetics/Laboratory Corporation of America, LabCorp); PubMed 16614245 (cited by Women's Health and Genetics/Laboratory Corporation of America, LabCorp); PubMed 21670202 (cited by Women's Health and Genetics/Laboratory Corporation of America, LabCorp); PubMed 22210878 (cited by Women's Health and Genetics/Laboratory Corporation of America, LabCorp); PubMed 19635999 (cited by Women's Health and Genetics/Laboratory Corporation of America, LabCorp); PubMed 26837699 (cited by Women's Health and Genetics/Laboratory Corporation of America, LabCorp); PubMed 23086750 (cited by Women's Health and Genetics/Laboratory Corporation of America, LabCorp); PubMed 19245433 (cited by Women's Health and Genetics/Laboratory Corporation of America, LabCorp); PubMed 22077063 (cited by Women's Health and Genetics/Laboratory Corporation of America, LabCorp); PubMed 15472075 (cited by Women's Health and Genetics/Laboratory Corporation of America, LabCorp); PubMed 23734977 (cited by Women's Health and Genetics/Laboratory Corporation of America, LabCorp); PubMed 22858860 (cited by Women's Health and Genetics/Laboratory Corporation of America, LabCorp); PubMed 24728327 (cited by ITMI).